The following is an entry in ClinVar:

NM_017617.5(NOTCH1):c.1289_1291dup (p.Ile430_Asn431insIle)

Gene: NOTCH1 (notch receptor 1; minus strand). Cytogenetic location: 9q34.3.
Variant type: Duplication.
Coding change: c.1289_1291dup on transcript NM_017617.5 (MANE Select); coding-DNA positions 1289 to 1291, 3 bases duplicated (TCA; older notation c.1289_1291dupTCA).
Protein change: p.Ile430_Asn431insIle.
Molecular consequence: inframe insertion.
Genome position (GRCh38, 1-based): chr9:136,517,902-136,517,904, TGA duplicated on the plus strand (TCA on the coding strand, the reverse complement: NOTCH1 is on the minus strand); duplicating any 3 consecutive bases within chr9:136,517,902-136,517,906 gives the same sequence; the c. name uses the placement nearest the transcript's 3' end. VCF-style (leftmost placement, unchanged base first): chr9-136517901-T-TTGA. GRCh37 (hg19) VCF-style: chr9-139412353-T-TTGA.
Identifiers: ClinVar variation 3355708 (VCV003355708.1).
Genomic context (GRCh38, chr9:136,517,901, plus strand): 5'-ATCTCGCATCGGGGGCCCGTGTAGCCCTGCAGACACTGGCACTCGAAGGAGCCCAGCGTG[T>TTGA]TGATGCACTTGCCCGCATGCTCGCAGGGGTTGGCACCTGGCGAGGGCACACGGGTGAGAG-3'

ClinVar aggregate classification (germline): Uncertain significance (0 of 4 stars; one submission).

Conditions:
NOTCH1-related disorder. Also called: NOTCH1-related condition; NOTCH1-related disorders.

Submission:

PreventionGenetics, part of Exact Sciences
Classification: Uncertain significance for NOTCH1-related condition. Last evaluated: 2024-06-19. Review status: no assertion criteria provided. Collection method: clinical testing. Allele origin: germline.
Comment: The NOTCH1 c.1289_1291dupTCA variant is predicted to result in an in-frame duplication (p.Ile430dup). To our knowledge, this variant has not been reported in the literature or in a large population database, indicating this variant is rare. Of note, alterations of adjacent amino acids (p.Cys429Arg and p.Asn431del) have been reported in individuals with Adams-Oliver syndrome; however, although one was reported as de novo the pathogenicity of the variants were not established (Stittrich et al. 2014. PubMed ID: 25132448; Huang et al. 2016. PubMed ID: 32129674). At this time, the clinical significance of this variant is uncertain due to the absence of conclusive functional and genetic evidence.